The following is an entry in ClinVar:

NM_000350.3(ABCA4):c.1554G>A (p.Glu518=)

Gene: ABCA4 (ATP binding cassette subfamily A member 4; minus strand). Cytogenetic location: 1p22.1.
Variant type: single nucleotide variant.
Coding change: c.1554G>A on transcript NM_000350.3 (MANE Select); coding-DNA position 1554, G replaced by A.
Protein change: p.Glu518=; no amino-acid change (glutamic acid 518 retained).
Molecular consequence: synonymous variant.
Genome position (GRCh38, 1-based): chr1:94,077,690, C>T on the plus strand (G>A on the coding strand, the complement: ABCA4 is on the minus strand). VCF-style: chr1-94077690-C-T. GRCh37 (hg19) VCF-style: chr1-94543246-C-T.
Other names: c.1554G>A, p.Glu518= (NM_001425324.1).
Identifiers: ClinVar variation 3720226 (VCV003720226.2).

ClinVar aggregate classification (germline): Uncertain significance (1 of 4 stars; one submission).

gnomAD v4.1: 2 of 1,609,836 alleles (0.00012%); highest among the groups gnomAD compares: Admixed American, 0.0017%; no homozygotes.

Submission:

Labcorp Genetics (formerly Invitae), Labcorp
Classification: Uncertain significance. Last evaluated: 2025-02-11. Review status: criteria provided, single submitter. Criteria: Invitae Variant Classification Sherloc (09022015). Collection method: clinical testing. Allele origin: germline.
Comment: This sequence change affects codon 518 of the ABCA4 mRNA. It is a 'silent' change, meaning that it does not change the encoded amino acid sequence of the ABCA4 protein. This variant also falls at the last nucleotide of exon 11, which is part of the consensus splice site for this exon. This variant is not present in population databases (gnomAD no frequency). This variant has been observed in individual(s) with retinitis pigmentosa or Stargardt disease (PMID: 22334370, 35120629). In at least one individual the data is consistent with being in trans (on the opposite chromosome) from a pathogenic variant. Variants that disrupt the consensus splice site are a relatively common cause of aberrant splicing (PMID: 17576681, 9536098). Algorithms developed to predict the effect of sequence changes on RNA splicing suggest that this variant is not likely to affect RNA splicing. In summary, the available evidence is currently insufficient to determine the role of this variant in disease. Therefore, it has been classified as a Variant of Uncertain Significance.

Literature cited by the submitters: PubMed 22334370; PubMed 35120629; PubMed 17576681; PubMed 9536098.